The following is an entry in ClinVar:

NM_024312.5(GNPTAB):c.1612+1G>A

Gene: GNPTAB (N-acetylglucosamine-1-phosphate transferase subunits alpha and beta; minus strand). Cytogenetic location: 12q23.2.
Variant type: single nucleotide variant.
Coding change: c.1612+1G>A on transcript NM_024312.5 (MANE Select); the canonical splice donor site of the intron after coding-DNA position 1612, G replaced by A.
Molecular consequence: splice donor variant.
Genome position (GRCh38, 1-based): chr12:101,766,090, C>T on the plus strand (G>A on the coding strand, the complement: GNPTAB is on the minus strand). VCF-style: chr12-101766090-C-T. GRCh37 (hg19) VCF-style: chr12-102159868-C-T.
Identifiers: ClinVar variation 1478157 (VCV001478157.8), dbSNP rs1566075180, ClinGen allele CA386301012.

ClinVar aggregate classification (germline): Likely pathogenic (1 of 4 stars; one submission).

Conditions:
Pseudo-Hurler polydystrophy. Also called: ML III; ML III ALPHA/BETA; Type III Mucolipidosis; ML IIIA; Mucolipidosis III Alpha/Beta; MUCOLIPIDOSIS IIIA. Identifiers: Orphanet 423461, Orphanet 577, MedGen C0033788, MONDO:0018931, OMIM 252600.
Mucolipidosis type II. Also called: ML II ALPHA/BETA; Mucolipidosis 2; ML 2; Inclusion cell disease; Leroy Disease; N-acetylglucosamine 1phosphotransferase deficiency. Identifiers: Orphanet 576, MedGen C2673377, MONDO:0009650, OMIM 252500.

Submission:

Labcorp Genetics (formerly Invitae), Labcorp
Classification: Likely pathogenic for Pseudo-Hurler polydystrophy; Mucolipidosis type II. Last evaluated: 2023-10-11. Review status: criteria provided, single submitter. Criteria: Invitae Variant Classification Sherloc (09022015). Collection method: clinical testing. Allele origin: germline.
Comment: This sequence change affects a donor splice site in intron 12 of the GNPTAB gene. It is expected to disrupt RNA splicing. Variants that disrupt the donor or acceptor splice site typically lead to a loss of protein function (PMID: 16199547), and loss-of-function variants in GNPTAB are known to be pathogenic (PMID: 19617216, 25107912). This variant is not present in population databases (gnomAD no frequency). Disruption of this splice site has been observed in individual(s) with clinical features of mucolipidosis (Invitae). ClinVar contains an entry for this variant (Variation ID: 1478157). Algorithms developed to predict the effect of sequence changes on RNA splicing suggest that this variant may disrupt the consensus splice site. In summary, the currently available evidence indicates that the variant is pathogenic, but additional data are needed to prove that conclusively. Therefore, this variant has been classified as Likely Pathogenic.

Literature cited by the submitters: PubMed 16199547; PubMed 19617216; PubMed 25107912.